The following is an entry in ClinVar:

NM_015311.3(OBSL1):c.119C>G (p.Pro40Arg)

Gene: OBSL1 (obscurin like cytoskeletal adaptor 1; minus strand). Cytogenetic location: 2q35.
Variant type: single nucleotide variant.
Coding change: c.119C>G on transcript NM_015311.3 (MANE Select); coding-DNA position 119, C replaced by G.
Protein change: p.Pro40Arg; replaces proline 40 with arginine.
Molecular consequence: missense variant.
Genome position (GRCh38, 1-based): chr2:219,571,114, G>C on the plus strand (C>G on the coding strand, the complement: OBSL1 is on the minus strand). VCF-style: chr2-219571114-G-C. GRCh37 (hg19) VCF-style: chr2-220435836-G-C.
Other names: c.119C>G, p.Pro40Arg (NM_001173408.2, NM_001173431.2); short protein forms P40R.
Identifiers: ClinVar variation 193381 (VCV000193381.18), dbSNP rs191256186, ClinGen allele CA200538.

ClinVar aggregate classification (germline): Benign/Likely benign. Review status: criteria provided, multiple submitters, no conflicts (2 of 4 stars). 5 submissions from 5 submitters: Benign (4); Likely benign (1). Last evaluated 2026-06-04.

Allele frequency attached by ClinVar (database versions not stated): 1000 Genomes Project 0.00899; ESP Exome Variant Server 0.00621; gnomAD 0.00892 and 0.00971; TOPMed 0.01035; ExAC 0.00613; 1000 Genomes Project 30x 0.01015; gnomAD exomes 0.00110.
gnomAD v4.1: 2,491 of 1,469,716 alleles (0.17%); highest among the groups gnomAD compares: African/African-American, 3.2%; 53 homozygotes.

Submissions (5):

Women's Health and Genetics/Laboratory Corporation of America, LabCorp
Classification: Likely benign. Last evaluated: 2026-06-04. Review status: criteria provided, single submitter. Criteria: LabCorp Variant Classification Summary - May 2015. Collection method: clinical testing. Allele origin: germline.
Comment: Variant summary: OBSL1 c.119C>G (p.Pro40Arg) results in a non-conservative amino acid change in the encoded protein sequence. Algorithms developed to predict the effect of missense changes on protein structure and function are either unavailable or do not agree on the potential impact of this missense change. The variant allele was found at a frequency of 0.0011 in 89174 control chromosomes, predominantly at a frequency of 0.03 within the African or African-American subpopulation in the gnomAD database, including 2 homozygotes. The observed variant frequency within African or African-American control individuals in the gnomAD database exceeds the estimated maximal expected allele frequency for disease-causing variants in OBSL1. To our knowledge, no occurrence of c.119C>G in individuals affected with OBSL1-related conditions and no experimental evidence demonstrating its impact on protein function have been reported. ClinVar contains an entry for this variant (Variation ID: 193381). Based on the evidence outlined above, the variant was classified as likely benign.

Labcorp Genetics (formerly Invitae), Labcorp
Classification: Benign. Last evaluated: 2026-01-31. Review status: criteria provided, single submitter. Criteria: Invitae Variant Classification Sherloc (09022015). Collection method: clinical testing. Allele origin: germline.

Center for Pediatric Genomic Medicine, Children's Mercy Hospital and Clinics
Classification: Benign. Last evaluated: 2017-01-05. Review status: criteria provided, single submitter. Criteria: ACMG Guidelines, 2015. Collection method: clinical testing. Allele origin: germline.

Eurofins Ntd Llc (ga)
Classification: Benign. Last evaluated: 2014-10-29. Review status: criteria provided, single submitter. Criteria: EGL Classification Definitions 2015. Collection method: clinical testing. Allele origin: germline. Observed: 1 variant allele, 1 heterozygote.

Breakthrough Genomics
Classification: Benign. Review status: criteria provided, single submitter. Criteria: ACMG Guidelines, 2015. Collection method: not provided. Allele origin: germline. Inheritance: Autosomal recessive inheritance. Affected: yes.